The following is an entry in ClinVar:

NM_000548.5(TSC2):c.4951A>G (p.Asn1651Asp)

Gene: TSC2 (TSC complex subunit 2; plus strand). Cytogenetic location: 16p13.3.
Variant type: single nucleotide variant.
Coding change: c.4951A>G on transcript NM_000548.5 (MANE Select); coding-DNA position 4951, A replaced by G.
Protein change: p.Asn1651Asp; replaces asparagine 1651 with aspartic acid.
Molecular consequence: missense variant.
Genome position (GRCh38, 1-based): chr16:2,086,833, A>G. VCF-style: chr16-2086833-A-G. GRCh37 (hg19) VCF-style: chr16-2136834-A-G.
Other names: c.4750A>G, p.Asn1584Asp (NM_001077183.3); c.4882A>G, p.Asn1628Asp (NM_001114382.3); c.4642A>G, p.Asn1548Asp (NM_001318827.2); c.4606A>G, p.Asn1536Asp (NM_001318829.2); c.4219A>G, p.Asn1407Asp (NM_001318831.2); c.4783A>G, p.Asn1595Asp (NM_001318832.2); c.4753A>G, p.Asn1585Asp (NM_001363528.2); c.4819A>G, p.Asn1607Asp (NM_001370404.1); and 1 more; short protein forms N1548D, N1584D, N1607D, N1608D, N1628D, N1536D, N1407D, N1651D.
Identifiers: ClinVar variation 965283 (VCV000965283.18), dbSNP rs2090865014, ClinGen allele CA394308838.

ClinVar aggregate classification (germline): Uncertain significance. Review status: criteria provided, multiple submitters, no conflicts (2 of 4 stars). 4 submissions from 4 submitters: Uncertain significance (4). Last evaluated 2024-04-29.

Conditions:
Tuberous sclerosis 2 (TSC2). Identifiers: Orphanet 805, MedGen C1860707, MONDO:0013199, OMIM 613254.
Hereditary cancer-predisposing syndrome. Also called: Hereditary neoplastic syndrome; Hereditary Cancer Syndrome; Tumor predisposition; Neoplastic Syndromes, Hereditary. Identifiers: Orphanet 140162, MedGen C0027672, MeSH D009386, MONDO:0015356.

Allele frequency attached by ClinVar (database versions not stated): gnomAD exomes below 0.00001.

Submissions (4):

GeneDx
Classification: Uncertain significance. Last evaluated: 2024-04-29. Review status: criteria provided, single submitter. Criteria: GeneDx Variant Classification Process June 2021. Collection method: clinical testing. Allele origin: germline. Affected: yes.
Comment: Not observed at significant frequency in large population cohorts (gnomAD); In silico analysis supports that this missense variant has a deleterious effect on protein structure/function; Has not been previously published as pathogenic or benign to our knowledge; This variant is associated with the following publications: (PMID: 18466115, 9302281, 10205261, 11521203)

Labcorp Genetics (formerly Invitae), Labcorp
Classification: Uncertain significance for Tuberous sclerosis 2. Last evaluated: 2024-02-02. Review status: criteria provided, single submitter. Criteria: Invitae Variant Classification Sherloc (09022015). Collection method: clinical testing. Allele origin: germline.
Comment: This sequence change replaces asparagine, which is neutral and polar, with aspartic acid, which is acidic and polar, at codon 1651 of the TSC2 protein (p.Asn1651Asp). This variant is not present in population databases (gnomAD no frequency). This variant has not been reported in the literature in individuals affected with TSC2-related conditions. ClinVar contains an entry for this variant (Variation ID: 965283). Advanced modeling of protein sequence and biophysical properties (such as structural, functional, and spatial information, amino acid conservation, physicochemical variation, residue mobility, and thermodynamic stability) performed at Invitae indicates that this missense variant is not expected to disrupt TSC2 protein function with a negative predictive value of 95%. This variant disrupts the p.Ser1651 amino acid residue in TSC2. Other variant(s) that disrupt this residue have been determined to be pathogenic (PMID: 9302281, 12111193, 14718525, 15024740, 18411301, 18550814, 27078846). This suggests that this residue is clinically significant, and that variants that disrupt this residue are likely to be disease-causing. In summary, the available evidence is currently insufficient to determine the role of this variant in disease. Therefore, it has been classified as a Variant of Uncertain Significance.

Ambry Genetics
Classification: Uncertain significance for Hereditary cancer-predisposing syndrome. Last evaluated: 2023-12-27. Review status: criteria provided, single submitter. Criteria: Ambry Variant Classification Scheme 2023. Collection method: clinical testing. Allele origin: germline.
Comment: The p.N1651D variant (also known as c.4951A>G), located in coding exon 37 of the TSC2 gene, results from an A to G substitution at nucleotide position 4951. The asparagine at codon 1651 is replaced by aspartic acid, an amino acid with highly similar properties. This amino acid position is highly conserved in available vertebrate species. In addition, the in silico prediction for this alteration is inconclusive. Since supporting evidence is limited at this time, the clinical significance of this alteration remains unclear.

Genome-Nilou Lab
Classification: Uncertain significance for Tuberous sclerosis 2. Last evaluated: 2021-11-07. Review status: criteria provided, single submitter. Criteria: ACMG Guidelines, 2015. Collection method: clinical testing. Allele origin: germline. Affected: no.

Literature cited by the submitters: PubMed 9302281 (cited by Labcorp Genetics (formerly Invitae), Labcorp); PubMed 12111193 (cited by Labcorp Genetics (formerly Invitae), Labcorp); PubMed 14718525 (cited by Labcorp Genetics (formerly Invitae), Labcorp); PubMed 15024740 (cited by Labcorp Genetics (formerly Invitae), Labcorp); PubMed 18411301 (cited by Labcorp Genetics (formerly Invitae), Labcorp); PubMed 18550814 (cited by Labcorp Genetics (formerly Invitae), Labcorp); PubMed 27078846 (cited by Labcorp Genetics (formerly Invitae), Labcorp).